The following is an entry in ClinVar:

ClinVar aggregate classification (germline): Uncertain significance (1 of 4 stars; one submission).

Conditions:
Cystic fibrosis (CF). Also called: MUCOVISCIDOSIS. Identifiers: Orphanet 586, MedGen C0010674, MONDO:0009061, OMIM 219700. Disease mechanism: loss of function.

gnomAD v4.1: 1 of 1,614,142 alleles (0.000062%); highest among the groups gnomAD compares: Non-Finnish European, 0.000085%; no homozygotes.

Submission:

Ambry Genetics
Classification: Uncertain significance for Cystic fibrosis. Last evaluated: 2025-05-31. Review status: criteria provided, single submitter. Criteria: Ambry Variant Classification Scheme 2023. Collection method: clinical testing. Allele origin: germline.
Comment: The p.L197W variant (also known as c.590T>G), located in coding exon 6 of the CFTR gene, results from a T to G substitution at nucleotide position 590. The leucine at codon 197 is replaced by tryptophan, an amino acid with similar properties. This amino acid position is conserved. In addition, this alteration is predicted to be deleterious by in silico analysis. Based on the available evidence, the clinical significance of this variant remains unclear.

NM_000492.4(CFTR):c.590T>G (p.Leu197Trp)

Gene: CFTR (CF transmembrane conductance regulator; plus strand). Cytogenetic location: 7q31.2.
Variant type: single nucleotide variant.
Coding change: c.590T>G on transcript NM_000492.4 (MANE Select); coding-DNA position 590, T replaced by G.
Protein change: p.Leu197Trp; replaces leucine 197 with tryptophan.
Molecular consequence: missense variant.
Genome position (GRCh38, 1-based): chr7:117,535,258, T>G. VCF-style: chr7-117535258-T-G. GRCh37 (hg19) VCF-style: chr7-117175312-T-G.
Other names: short protein forms L197W.
Identifiers: ClinVar variation 4001880 (VCV004001880.1).